The following is an entry in ClinVar:

ClinVar aggregate classification (germline): Uncertain significance (1 of 4 stars; one submission).

Conditions:
Severe X-linked myotubular myopathy (CNMX). Also called: X-linked centronuclear myopathy; Myotubular myopathy, X-linked; MYOTUBULAR MYOPATHY 1. Identifiers: Orphanet 596, MedGen C0410203, MONDO:0010683, OMIM 310400.

Allele frequency attached by ClinVar (database versions not stated): gnomAD 0.00001; TOPMed 0.00001.
gnomAD v4.1: 3 of 1,209,071 alleles (0.00025%); highest among the groups gnomAD compares: East Asian, 0.003%; no homozygotes.

Submission:

Labcorp Genetics (formerly Invitae), Labcorp
Classification: Uncertain significance for Severe X-linked myotubular myopathy. Last evaluated: 2025-04-07. Review status: criteria provided, single submitter. Criteria: Invitae Variant Classification Sherloc (09022015). Collection method: clinical testing. Allele origin: germline.
Comment: This sequence change replaces proline, which is neutral and non-polar, with leucine, which is neutral and non-polar, at codon 550 of the MTM1 protein (p.Pro550Leu). This variant is not present in population databases (gnomAD no frequency). This variant has not been reported in the literature in individuals affected with MTM1-related conditions. ClinVar contains an entry for this variant (Variation ID: 3017692). Invitae Evidence Modeling of protein sequence and biophysical properties (such as structural, functional, and spatial information, amino acid conservation, physicochemical variation, residue mobility, and thermodynamic stability) has been performed for this missense variant. However, the output from this modeling did not meet the statistical confidence thresholds required to predict the impact of this variant on MTM1 protein function. In summary, the available evidence is currently insufficient to determine the role of this variant in disease. Therefore, it has been classified as a Variant of Uncertain Significance.

NM_000252.3(MTM1):c.1649C>T (p.Pro550Leu)

Gene: MTM1 (myotubularin 1; plus strand). Cytogenetic location: Xq28.
Variant type: single nucleotide variant.
Coding change: c.1649C>T on transcript NM_000252.3 (MANE Select); coding-DNA position 1649, C replaced by T.
Protein change: p.Pro550Leu; replaces proline 550 with leucine.
Molecular consequence: missense variant.
Genome position (GRCh38, 1-based): chrX:150,671,432, C>T. VCF-style: chrX-150671432-C-T. GRCh37 (hg19) VCF-style: chrX-149839905-C-T.
Other names: c.1646C>T, p.Pro549Leu (NM_001376906.1); c.1538C>T, p.Pro513Leu (NM_001376907.1); c.1649C>T, p.Pro550Leu (NM_001376908.1); short protein forms P550L, P549L, P513L.
Identifiers: ClinVar variation 3017692 (VCV003017692.3), dbSNP rs2040394412, ClinGen allele CA415023178.